The following is an entry in ClinVar:

NM_020937.4(FANCM):c.5406A>T (p.Leu1802Phe)

Gene: FANCM (FA complementation group M; plus strand). Cytogenetic location: 14q21.2.
Variant type: single nucleotide variant.
Coding change: c.5406A>T on transcript NM_020937.4 (MANE Select); coding-DNA position 5406, A replaced by T.
Protein change: p.Leu1802Phe; replaces leucine 1802 with phenylalanine.
Molecular consequence: missense variant.
Genome position (GRCh38, 1-based): chr14:45,196,237, A>T. VCF-style: chr14-45196237-A-T. GRCh37 (hg19) VCF-style: chr14-45665440-A-T.
Other names: c.5328A>T, p.Leu1776Phe (NM_001308133.2); short protein forms L1776F, L1802F.
Identifiers: ClinVar variation 4533137 (VCV004533137.1).

ClinVar aggregate classification (germline): Uncertain significance (1 of 4 stars; one submission).

Submission:

Quest Diagnostics Nichols Institute San Juan Capistrano
Classification: Uncertain significance. Last evaluated: 2025-07-22. Review status: criteria provided, single submitter. Criteria: Quest Diagnostics criteria. Collection method: clinical testing. Allele origin: unknown.
Comment: The FANCM c.5406A>T (p.Leu1802Phe) variant has not been reported in individuals with FANCM-related conditions in the published literature. This variant also has not been reported in large, multi-ethnic general populations (Genome Aggregation Database). Analysis of this variant using bioinformatics tools for the prediction of the effect of amino acid changes on protein structure and function yielded conflicting predictions that this variant is benign or damaging. Based on the available information, we are unable to determine the clinical significance of this variant.